The following is an entry in ClinVar:

ClinVar aggregate classification (germline): Conflicting classifications of pathogenicity. Review status: criteria provided, conflicting classifications (1 of 4 stars). 2 submissions from 2 submitters: Uncertain significance (1); Likely benign (1). Last evaluated 2024-10-25.

Conditions:
SMPD1-related disorder. Also called: SMPD1-related condition.
Niemann-Pick disease, type B. Also called: Chronic Visceral ASMD (Niemann-Pick Disease Type B; NPD-B). Identifiers: Orphanet 77293, MedGen C0268243, MONDO:0011871, OMIM 607616. Disease mechanism: loss of function.
Niemann-Pick disease, type A. Also called: Infantile Neurovisceral ASMD (Niemann-Pick Disease Type A; NPD-A); SPHINGOMYELIN LIPIDOSIS; SPHINGOMYELINASE DEFICIENCY. Identifiers: Orphanet 77292, MedGen C0268242, MONDO:0009756, OMIM 257200. Disease mechanism: loss of function.

gnomAD v4.1: 3 of 1,614,058 alleles (0.00019%); highest among the groups gnomAD compares: Non-Finnish European, 0.00025%; no homozygotes.

Submissions (2):

PreventionGenetics, part of Exact Sciences
Classification: Uncertain significance for SMPD1-related condition. Last evaluated: 2024-10-25. Review status: criteria provided, single submitter. Criteria: ACMG Guidelines, 2015. Collection method: clinical testing. Allele origin: germline.
Comment: The SMPD1 c.142C>A variant is predicted to result in the amino acid substitution p.Pro48Thr. To our knowledge, this variant has not been reported in the literature. This variant is reported in 0.00089% of alleles in individuals of European (Non-Finnish) descent in gnomAD. At this time, the clinical significance of this variant is uncertain due to the absence of conclusive functional and genetic evidence.

Labcorp Genetics (formerly Invitae), Labcorp
Classification: Likely benign for Niemann-Pick disease, type B; Niemann-Pick disease, type A. Last evaluated: 2024-05-23. Review status: criteria provided, single submitter. Criteria: Invitae Variant Classification Sherloc (09022015). Collection method: clinical testing. Allele origin: germline.

NM_000543.5(SMPD1):c.1091+12C>A

Gene: SMPD1 (sphingomyelin phosphodiesterase 1; plus strand). Cytogenetic location: 11p15.4.
Variant type: single nucleotide variant.
Coding change: c.1091+12C>A on transcript NM_000543.5 (MANE Select); 12 bases into the intron after coding-DNA position 1091, C replaced by A.
Molecular consequence: intron variant. On other transcripts: missense variant (2).
Genome position (GRCh38, 1-based): chr11:6,392,168, C>A. VCF-style: chr11-6392168-C-A. GRCh37 (hg19) VCF-style: chr11-6413398-C-A.
Other names: c.142C>A (NM_001318088.1); c.142C>A, p.Pro48Thr (NM_001318088.2); c.1103C>A, p.Ser368Tyr (NM_001365135.2); c.1091+12C>A (NM_001318087.2); c.1088+12C>A (NM_001007593.3); short protein forms P48T, S368Y.
Identifiers: ClinVar variation 3761902 (VCV003761902.3).